The following is an entry in ClinVar:

NC_000019.9:g.(?_41211231)_(41217328_?)del

Gene: COQ8B (coenzyme Q8B; minus strand). Cytogenetic location: 19q13.2.
Variant type: Deletion.
Identifiers: ClinVar variation 3242714 (VCV003242714.1).

ClinVar aggregate classification (germline): Likely pathogenic (1 of 4 stars; one submission).

Submission:

Labcorp Genetics (formerly Invitae), Labcorp
Classification: Likely pathogenic. Last evaluated: 2022-12-02. Review status: criteria provided, single submitter. Criteria: Invitae Variant Classification Sherloc (09022015). Collection method: clinical testing. Allele origin: unknown.
Comment: In summary, the currently available evidence indicates that the variant is pathogenic, but additional data are needed to prove that conclusively. Therefore, this variant has been classified as Likely Pathogenic. This variant has not been reported in the literature in individuals affected with COQ8B-related conditions. This variant results in the deletion of c.290-1287_489del of the COQ8B gene. It is expected to disrupt RNA splicing. Variants that disrupt the donor or acceptor splice site typically lead to a loss of protein function (PMID: 16199547), and loss-of-function variants in COQ8B are known to be pathogenic (PMID: 24270420).

Literature cited by the submitters: PubMed 16199547; PubMed 24270420.